The following is an entry in ClinVar:

ClinVar aggregate classification (germline): Uncertain significance. Review status: criteria provided, multiple submitters, no conflicts (2 of 4 stars). 2 submissions from 2 submitters: Uncertain significance (2). Last evaluated 2025-10-31.

Conditions:
Long QT syndrome (LQTS). Identifiers: MedGen C0023976, MeSH D008133, MONDO:0002442. Disease mechanism: loss of function. Inheritance: Various modes of inheritance.

Allele frequency attached by ClinVar (database versions not stated): gnomAD exomes 0.00001.
gnomAD v4.1: 5 of 1,613,902 alleles (0.00031%); highest among the groups gnomAD compares: Admixed American, 0.005%; no homozygotes.

Submissions (2):

GeneDx
Classification: Uncertain significance. Last evaluated: 2025-10-31. Review status: criteria provided, single submitter. Criteria: GeneDx Variant Classification Process June 2021. Collection method: clinical testing. Allele origin: germline. Affected: yes.
Comment: Reported in a patient with sudden unexplained death who also harbored a likely disease-causing variant in the TTN gene (PMID: 27930701); In silico analysis supports that this missense variant has a deleterious effect on protein structure/function; Located in exon 38, which is reported as being expressed in a brain-specific transcript (PMID: 1830053, 18790697, 26109584); This variant is associated with the following publications: (PMID: 1830053, 18790697, 26109584, 27930701)

Labcorp Genetics (formerly Invitae), Labcorp
Classification: Uncertain significance for Long QT syndrome. Last evaluated: 2024-02-11. Review status: criteria provided, single submitter. Criteria: Invitae Variant Classification Sherloc (09022015). Collection method: clinical testing. Allele origin: germline.
Comment: This sequence change replaces glutamic acid, which is acidic and polar, with glycine, which is neutral and non-polar, at codon 3062 of the ANK2 protein (p.Glu3062Gly). This variant is present in population databases (no rsID available, gnomAD 0.006%). This variant has not been reported in the literature in individuals affected with ANK2-related conditions. ClinVar contains an entry for this variant (Variation ID: 838522). An algorithm developed to predict the effect of missense changes on protein structure and function (PolyPhen-2) suggests that this variant is likely to be disruptive. In summary, the available evidence is currently insufficient to determine the role of this variant in disease. Therefore, it has been classified as a Variant of Uncertain Significance.

NM_001148.6(ANK2):c.9185A>G (p.Glu3062Gly)

Gene: ANK2 (ankyrin 2; plus strand). Cytogenetic location: 4q26.
Variant type: single nucleotide variant.
Coding change: c.9185A>G on transcript NM_001148.6 (MANE Select); coding-DNA position 9185, A replaced by G.
Protein change: p.Glu3062Gly; replaces glutamic acid 3062 with glycine.
Molecular consequence: missense variant. On other transcripts: intron variant (68).
Genome position (GRCh38, 1-based): chr4:113,357,803, A>G. VCF-style: chr4-113357803-A-G. GRCh37 (hg19) VCF-style: chr4-114278959-A-G.
Other names: c.8951A>G, p.Glu2984Gly (NM_001386142.1); c.5585A>G, p.Glu1862Gly (NM_001386166.1); c.9326A>G, p.Glu3109Gly (NM_001386174.1); c.9302A>G, p.Glu3101Gly (NM_001386175.1); c.4412-3020A>G (NM_001386186.2, NM_001386148.2); c.4214-3020A>G (NM_001354269.3); c.4292-3020A>G (NM_001386187.2); c.4253-3020A>G (NM_001386147.1); and 35 more; short protein forms E3062G, E1862G, E2984G, E3101G, E3109G.
Identifiers: ClinVar variation 838522 (VCV000838522.9), dbSNP rs1029760186, ClinGen allele CA103817269.